The following is an entry in ClinVar:

ClinVar aggregate classification (germline): Benign. Review status: criteria provided, multiple submitters, no conflicts (2 of 4 stars). 2 submissions from 2 submitters: Benign (2). Last evaluated 2026-05-01.

Allele frequency attached by ClinVar (database versions not stated): 1000 Genomes Project 30x 0.00562; 1000 Genomes Project 0.00599; TOPMed 0.00646; gnomAD 0.00754 and 0.00764; ESP Exome Variant Server 0.00900; gnomAD exomes 0.00907 and 0.01060; ExAC 0.00986.
gnomAD v4.1: 16,557 of 1,612,012 alleles (1%); highest among the groups gnomAD compares: Non-Finnish European, 1.1%; 111 homozygotes.

Submissions (9):

CeGaT Center for Human Genetics Tuebingen
Classification: Benign. Last evaluated: 2026-05-01. Review status: criteria provided, single submitter. Criteria: CeGaT Center For Human Genetics Tuebingen Variant Classification Criteria Version 2. Collection method: clinical testing. Allele origin: germline. Affected: yes. Observed: 2 variant alleles.
Comment: CD109: BP4, BS1, BS2

Labcorp Genetics (formerly Invitae), Labcorp
Classification: Benign. Last evaluated: 2017-12-05. Review status: criteria provided, single submitter. Criteria: Invitae Variant Classification Sherloc (09022015). Collection method: clinical testing. Allele origin: germline.

Dr. Peter K. Rogan Lab, Western University
No classification provided (evidence only). Condition: Clear cell carcinoma of kidney. Review status: no classification provided. Collection method: in vitro. Allele origin: not applicable. Functional consequence: retained intron. Not counted in ClinVar's aggregate classification.

Dr. Peter K. Rogan Lab, Western University
No classification provided (evidence only). Condition: Melanoma. Review status: no classification provided. Collection method: in vitro. Allele origin: not applicable. Functional consequence: skipped exon. Not counted in ClinVar's aggregate classification.

Dr. Peter K. Rogan Lab, Western University
No classification provided (evidence only). Condition: Colon adenocarcinoma. Review status: no classification provided. Collection method: in vitro. Allele origin: not applicable. Functional consequence: retained intron. Not counted in ClinVar's aggregate classification.

Dr. Peter K. Rogan Lab, Western University
No classification provided (evidence only). Condition: Sarcoma. Review status: no classification provided. Collection method: in vitro. Allele origin: not applicable. Functional consequence: retained intron. Not counted in ClinVar's aggregate classification.

Dr. Peter K. Rogan Lab, Western University
No classification provided (evidence only). Condition: Ovarian serous cystadenocarcinoma. Review status: no classification provided. Collection method: in vitro. Allele origin: not applicable. Functional consequence: retained intron. Not counted in ClinVar's aggregate classification.

Dr. Peter K. Rogan Lab, Western University
No classification provided (evidence only). Condition: Gastric cancer. Review status: no classification provided. Collection method: in vitro. Allele origin: not applicable. Functional consequence: retained intron. Not counted in ClinVar's aggregate classification.

Dr. Peter K. Rogan Lab, Western University
No classification provided (evidence only). Condition: Gastric cancer. Review status: no classification provided. Collection method: in vitro. Allele origin: not applicable. Functional consequence: retained intron. Not counted in ClinVar's aggregate classification.

NM_133493.5(CD109):c.616A>G (p.Ile206Val)

Gene: CD109 (CD109 molecule; plus strand). Cytogenetic location: 6q13.
Variant type: single nucleotide variant.
Coding change: c.616A>G on transcript NM_133493.5 (MANE Select); coding-DNA position 616, A replaced by G.
Protein change: p.Ile206Val; replaces isoleucine 206 with valine.
Molecular consequence: missense variant.
Genome position (GRCh38, 1-based): chr6:73,736,491, A>G. VCF-style: chr6-73736491-A-G. GRCh37 (hg19) VCF-style: chr6-74446214-A-G.
Other names: NC_000006.11:g.74446214A>G; c.616A>G, p.Ile206Val (NM_001159587.3); c.385A>G, p.Ile129Val (NM_001159588.3); short protein forms I129V, I206V.
Identifiers: ClinVar variation 776594 (VCV000776594.28), dbSNP rs148575660, ClinGen allele CA3890826.